The following is an entry in ClinVar:

NM_001365951.3(KIF1B):c.*4267A>G

Gene: KIF1B (kinesin family member 1B; plus strand). Cytogenetic location: 1p36.22.
Variant type: single nucleotide variant.
Coding change: c.*4267A>G on transcript NM_001365951.3 (MANE Select); 4267 bases downstream of the stop codon, A replaced by G.
Molecular consequence: 3 prime UTR variant.
Genome position (GRCh38, 1-based): chr1:10,380,854, A>G. VCF-style: chr1-10380854-A-G. GRCh37 (hg19) VCF-style: chr1-10440912-A-G.
Other names: c.*4267A>G (NM_001365952.1, NM_015074.3).
Identifiers: ClinVar variation 291659 (VCV000291659.5), dbSNP rs77474900, ClinGen allele CA10607256.

ClinVar aggregate classification (germline): Benign (1 of 4 stars; one submission).

Conditions:
Neuroblastoma (NB). Identifiers: Orphanet 635, MedGen C0027819, MeSH D009447, MONDO:0005072, HP:0003006.

Allele frequency attached by ClinVar (database versions not stated): gnomAD exomes 0.00184; 1000 Genomes Project 0.00819; 1000 Genomes Project 30x 0.00843; gnomAD 0.00999 and 0.01073; TOPMed 0.01115.
gnomAD v4.1: 1,647 of 219,950 alleles (0.75%); highest among the groups gnomAD compares: African/African-American, 3.4%; 21 homozygotes.

Submission:

Illumina Laboratory Services, Illumina
Classification: Benign for Neuroblastoma. Last evaluated: 2018-01-12. Review status: criteria provided, single submitter. Criteria: ICSL Variant Classification Criteria 13 December 2019. Collection method: clinical testing. Allele origin: germline.
Comment: This variant was observed in the ICSL laboratory as part of a predisposition screen in an ostensibly healthy population. It had not been previously curated by ICSL or reported in the Human Gene Mutation Database (HGMD: prior to June 1st, 2018), and was therefore a candidate for classification through an automated scoring system. Utilizing variant allele frequency, disease prevalence and penetrance estimates, and inheritance mode, an automated score was calculated to assess if this variant is too frequent to cause the disease. Based on the score and internal cut-off values, a variant classified as benign is not then subjected to further curation. The score for this variant resulted in a classification of benign for this disease.